The following is an entry in ClinVar:

ClinVar aggregate classification (germline): Uncertain significance. Review status: criteria provided, multiple submitters, no conflicts (2 of 4 stars). 2 submissions from 2 submitters: Uncertain significance (2). Last evaluated 2023-11-24.

Conditions:
Severe combined immunodeficiency due to DNA-PKcs deficiency. Also called: IMMUNODEFICIENCY 26 WITH NEUROLOGIC ABNORMALITIES; Immunodeficiency 26 with or without neurologic abnormalities. Identifiers: Orphanet 317425, MedGen C4014833, MONDO:0014423, OMIM 615966.

Submissions (2):

Ambry Genetics
Classification: Uncertain significance. Last evaluated: 2023-11-24. Review status: criteria provided, single submitter. Criteria: Ambry Variant Classification Scheme 2023. Collection method: clinical testing. Allele origin: germline.
Comment: The p.E1225V variant (also known as c.3674A>T), located in coding exon 31 of the PRKDC gene, results from an A to T substitution at nucleotide position 3674. The glutamic acid at codon 1225 is replaced by valine, an amino acid with dissimilar properties. This amino acid position is conserved. In addition, this alteration is predicted to be deleterious by in silico analysis. Since supporting evidence is limited at this time, the clinical significance of this alteration remains unclear.

Labcorp Genetics (formerly Invitae), Labcorp
Classification: Uncertain significance for Severe combined immunodeficiency due to DNA-PKcs deficiency. Last evaluated: 2021-10-25. Review status: criteria provided, single submitter. Criteria: Invitae Variant Classification Sherloc (09022015). Collection method: clinical testing. Allele origin: germline.
Comment: In summary, the available evidence is currently insufficient to determine the role of this variant in disease. Therefore, it has been classified as a Variant of Uncertain Significance. Experimental studies and prediction algorithms are not available or were not evaluated, and the functional significance of this variant is currently unknown. This variant has not been reported in the literature in individuals affected with PRKDC-related conditions. This variant is not present in population databases (ExAC no frequency). This sequence change replaces glutamic acid with valine at codon 1225 of the PRKDC protein (p.Glu1225Val). The glutamic acid residue is highly conserved and there is a moderate physicochemical difference between glutamic acid and valine.

NM_006904.7(PRKDC):c.3674A>T (p.Glu1225Val)

Gene: PRKDC (protein kinase, DNA-activated, catalytic subunit; minus strand). Cytogenetic location: 8q11.21.
Variant type: single nucleotide variant.
Coding change: c.3674A>T on transcript NM_006904.7 (MANE Select); coding-DNA position 3674, A replaced by T.
Protein change: p.Glu1225Val; replaces glutamic acid 1225 with valine.
Molecular consequence: missense variant.
Genome position (GRCh38, 1-based): chr8:47,893,312, T>A on the plus strand (A>T on the coding strand, the complement: PRKDC is on the minus strand). VCF-style: chr8-47893312-T-A. GRCh37 (hg19) VCF-style: chr8-48805872-T-A.
Other names: c.3674A>T (NM_006904.6); c.3674A>T, p.Glu1225Val (NM_001081640.2); short protein forms E1225V.
Identifiers: ClinVar variation 1484368 (VCV001484368.7), dbSNP rs753345761, ClinGen allele CA371150827.
Genomic context (GRCh38, chr8:47,893,312, plus strand): 5'-CGAAGGTACAAGAGGGTGGGCTGGGCCAGGATGCCCGAGGGCTGGCCACAGCCACCCCCC[T>A]CAAAGGTGTTGATGAGAAAAGAGACACCTTCTTCCTTGAGAACATCTTTCAGCCACAAAT-3'
Protein context (NP_008835.5, residues 1215-1235): EGVSFLINTF[Glu1225Val]GGGCGQPSGI